The following is an entry in ClinVar:

NM_001018005.2(TPM1):c.661T>C (p.Tyr221His)

Gene: TPM1 (tropomyosin 1; plus strand). Cytogenetic location: 15q22.2.
Variant type: single nucleotide variant.
Coding change: c.661T>C on transcript NM_001018005.2 (MANE Select); coding-DNA position 661, T replaced by C.
Protein change: p.Tyr221His; replaces tyrosine 221 with histidine.
Molecular consequence: missense variant. On other transcripts: non-coding transcript variant (17).
Genome position (GRCh38, 1-based): chr15:63,062,236, T>C. VCF-style: chr15-63062236-T-C. GRCh37 (hg19) VCF-style: chr15-63354435-T-C.
Other names: c.661T>C, p.Tyr221His (NM_000366.6, NM_001018004.2, NM_001018006.2 and 20 more transcripts); c.553T>C, p.Tyr185His (NM_001018008.2, NM_001407340.1, NM_001407341.1 and 9 more transcripts); c.787T>C, p.Tyr263His (NM_001365778.1, NM_001407322.1, NM_001407323.1 and 1 more transcripts); short protein forms Y185H, Y221H, Y263H.
Identifiers: ClinVar variation 5020602 (VCV005020602.1).

ClinVar aggregate classification (germline): Uncertain significance (1 of 4 stars; one submission).

Submission:

Dasa
Classification: Uncertain significance. Last evaluated: 2026-05-07. Review status: criteria provided, single submitter. Criteria: DASA Assertion Criteria. Collection method: clinical testing. Allele origin: germline.
Comment: NM_001018005.2(TPM1):c.661T>C (p.Tyr221His) is a missense variant that results in the substitution of tyrosine with histidine. This variant is absent from population databases. Computational prediction algorithms are consistent with a deleterious effect. The currently available literature and clinical evidence are not sufficient to establish a definitive association between this variant and the reported condition. Therefore, this variant is classified as a variant of uncertain significance.